The following is an entry in ClinVar:

NM_001304944.2(DNAJC22):c.633G>T (p.Val211=)

Gene: DNAJC22 (DnaJ heat shock protein family (Hsp40) member C22; plus strand). Cytogenetic location: 12q13.12.
Variant type: single nucleotide variant.
Coding change: c.633G>T on transcript NM_001304944.2 (MANE Select); coding-DNA position 633, G replaced by T.
Protein change: p.Val211=; no amino-acid change (valine 211 retained).
Molecular consequence: synonymous variant.
Genome position (GRCh38, 1-based): chr12:49,349,505, G>T. VCF-style: chr12-49349505-G-T. GRCh37 (hg19) VCF-style: chr12-49743288-G-T.
Other names: c.633G>T, p.Val211= (NM_024902.4).
Identifiers: ClinVar variation 3234408 (VCV003234408.20), dbSNP rs2547404303, ClinGen allele CA479720984.

ClinVar aggregate classification (germline): Likely benign (1 of 4 stars; one submission).

Submission:

CeGaT Center for Human Genetics Tuebingen
Classification: Likely benign. Last evaluated: 2024-03-01. Review status: criteria provided, single submitter. Criteria: CeGaT Center For Human Genetics Tuebingen Variant Classification Criteria Version 2. Collection method: clinical testing. Allele origin: germline. Affected: yes. Observed: 1 variant allele.
Comment: DNAJC22: PM2:Supporting, BP4, BP7